The following is an entry in ClinVar:

NM_139343.3(BIN1):c.433C>T (p.Arg145Cys)

Gene: BIN1 (bridging integrator 1; minus strand). Cytogenetic location: 2q14.3.
Variant type: single nucleotide variant.
Coding change: c.433C>T on transcript NM_139343.3 (MANE Select); coding-DNA position 433, C replaced by T.
Protein change: p.Arg145Cys; replaces arginine 145 with cysteine.
Molecular consequence: missense variant.
Genome position (GRCh38, 1-based): chr2:127,069,010, G>A on the plus strand (C>T on the coding strand, the complement: BIN1 is on the minus strand). VCF-style: chr2-127069010-G-A. GRCh37 (hg19) VCF-style: chr2-127826586-G-A.
Other names: c.433C>T, p.Arg145Cys (NM_001320632.2, NM_001320633.2, NM_001320640.2 and 10 more transcripts); c.361C>T, p.Arg121Cys (NM_001320634.1); c.352C>T, p.Arg118Cys (NM_001320642.1); short protein forms R145C, R118C, R121C.
Identifiers: ClinVar variation 617682 (VCV000617682.9), dbSNP rs1249621033, ClinGen allele CA348367975.

ClinVar aggregate classification (germline): Likely pathogenic. Review status: criteria provided, multiple submitters, no conflicts (2 of 4 stars). 3 submissions from 3 submitters: Likely pathogenic (2). 1 of the submissions does not count toward it. Last evaluated 2023-03-10.

Conditions:
Myopathy, centronuclear, 2 (CNM2). Also called: MYOTUBULAR MYOPATHY, AUTOSOMAL RECESSIVE. Identifiers: Orphanet 169186, MedGen CN031787, MONDO:0009709, OMIM 255200.

Allele frequency attached by ClinVar (database versions not stated): gnomAD exomes below 0.00001.

Submissions (3):

Labcorp Genetics (formerly Invitae), Labcorp
Classification: Likely pathogenic for Myopathy, centronuclear, 2. Last evaluated: 2023-03-10. Review status: criteria provided, single submitter. Criteria: Invitae Variant Classification Sherloc (09022015). Collection method: clinical testing. Allele origin: germline.
Comment: Advanced modeling of protein sequence and biophysical properties (such as structural, functional, and spatial information, amino acid conservation, physicochemical variation, residue mobility, and thermodynamic stability) performed at Invitae indicates that this missense variant is expected to disrupt BIN1 protein function. ClinVar contains an entry for this variant (Variation ID: 617682). This missense change has been observed in individual(s) with autosomal recessive centronuclear myopathy (PMID: 29950440). In at least one individual the data is consistent with being in trans (on the opposite chromosome) from a pathogenic variant. This variant is present in population databases (no rsID available, gnomAD 0.0009%). This sequence change replaces arginine, which is basic and polar, with cysteine, which is neutral and slightly polar, at codon 145 of the BIN1 protein (p.Arg145Cys). In summary, the currently available evidence indicates that the variant is pathogenic, but additional data are needed to prove that conclusively. Therefore, this variant has been classified as Likely Pathogenic.

SIB Swiss Institute of Bioinformatics
Classification: Likely pathogenic for Myopathy, centronuclear, 2. Last evaluated: 2019-01-08. Review status: criteria provided, single submitter. Criteria: ACMG Guidelines, 2015. Collection method: curation. Allele origin: unknown.
Comment: This variant is interpreted as a Likely pathogenic for Myopathy, centronuclear, 2 autosomal recessive. The following ACMG Tag(s) were applied: PM2 : Absent from controls (or at extremely low frequency if recessive) in Exome Sequencing Project, 1000 Genomes Project, or Exome Aggregation Consortium. PP3 : Multiple lines of computational evidence support a deleterious effect on the gene or gene product. PM1 : Located in a mutational hot spot and/or critical and well-established functional domain (e.g., active site of an enzyme) without benign variation. PP1 : Cosegregation with disease in multiple affected family members in a gene definitively known to cause the disease (PMID:29950440). PM3 : For recessive disorders, detected in trans with a pathogenic variant.

OMIM
Classification: Pathogenic for MYOPATHY, CENTRONUCLEAR, 2. Last evaluated: 2019-02-08. Review status: no assertion criteria provided. Collection method: literature only. Allele origin: germline. Not counted in ClinVar's aggregate classification.

Literature cited by the submitters: PubMed 29950440 (cited by 3 submitters).